The following is an entry in ClinVar:

ClinVar aggregate classification (germline): Uncertain significance. Review status: criteria provided, multiple submitters, no conflicts (2 of 4 stars). 2 submissions from 2 submitters: Uncertain significance (2). Last evaluated 2024-08-07.

Conditions:
Hereditary cancer-predisposing syndrome. Also called: Neoplastic Syndromes, Hereditary; Hereditary Cancer Syndrome; Tumor predisposition; Hereditary neoplastic syndrome. Identifiers: Orphanet 140162, MedGen C0027672, MeSH D009386, MONDO:0015356.
Cardiovascular phenotype. Identifiers: MedGen CN230736.
Neurofibromatosis, type 1 (NF1). Also called: Neurofibromatosis, type I; Peripheral type neurofibromatosis; VON RECKLINGHAUSEN DISEASE; NEUROFIBROMATOSIS, TYPE I, SOMATIC. Identifiers: Orphanet 636, MedGen C0027831, MONDO:0018975, OMIM 162200. Disease mechanism: loss of function.

Submissions (2):

Labcorp Genetics (formerly Invitae), Labcorp
Classification: Uncertain significance for Neurofibromatosis, type 1. Last evaluated: 2024-08-07. Review status: criteria provided, single submitter. Criteria: Invitae Variant Classification Sherloc (09022015). Collection method: clinical testing. Allele origin: germline.
Comment: This sequence change replaces aspartic acid, which is acidic and polar, with histidine, which is basic and polar, at codon 2529 of the NF1 protein (p.Asp2529His). This variant is not present in population databases (gnomAD no frequency). This variant has not been reported in the literature in individuals affected with NF1-related conditions. ClinVar contains an entry for this variant (Variation ID: 1511291). Advanced modeling of protein sequence and biophysical properties (such as structural, functional, and spatial information, amino acid conservation, physicochemical variation, residue mobility, and thermodynamic stability) has been performed at Invitae for this missense variant, however the output from this modeling did not meet the statistical confidence thresholds required to predict the impact of this variant on NF1 protein function. In summary, the available evidence is currently insufficient to determine the role of this variant in disease. Therefore, it has been classified as a Variant of Uncertain Significance.

Ambry Genetics
Classification: Uncertain significance for Cardiovascular phenotype; Hereditary cancer-predisposing syndrome. Last evaluated: 2020-09-25. Review status: criteria provided, single submitter. Criteria: Ambry Variant Classification Scheme 2023. Collection method: clinical testing. Allele origin: germline.
Comment: The p.D2529H variant (also known as c.7585G>C), located in coding exon 51 of the NF1 gene, results from a G to C substitution at nucleotide position 7585. The aspartic acid at codon 2529 is replaced by histidine, an amino acid with similar properties. This amino acid position is well conserved in available vertebrate species. In addition, the in silico prediction for this alteration is inconclusive. Since supporting evidence is limited at this time, the clinical significance of this alteration remains unclear.

NM_001042492.3(NF1):c.7648G>C (p.Asp2550His)

Gene: NF1 (neurofibromin 1; plus strand). Cytogenetic location: 17q11.2.
Variant type: single nucleotide variant.
Coding change: c.7648G>C on transcript NM_001042492.3 (MANE Select); coding-DNA position 7648, G replaced by C.
Protein change: p.Asp2550His; replaces aspartic acid 2550 with histidine.
Molecular consequence: missense variant.
Genome position (GRCh38, 1-based): chr17:31,356,492, G>C. VCF-style: chr17-31356492-G-C. GRCh37 (hg19) VCF-style: chr17-29683510-G-C.
Other names: c.7585G>C, p.Asp2529His (NM_000267.4); short protein forms D2529H, D2550H.
Identifiers: ClinVar variation 1511291 (VCV001511291.8), dbSNP rs2151581078, ClinGen allele CA399018042.